The following is an entry in ClinVar:

ClinVar aggregate classification (germline): Pathogenic (1 of 4 stars; one submission).

Submission:

Labcorp Genetics (formerly Invitae), Labcorp
Classification: Pathogenic. Last evaluated: 2025-06-12. Review status: criteria provided, single submitter. Criteria: Invitae Variant Classification Sherloc (09022015). Collection method: clinical testing. Allele origin: germline.
Comment: This sequence change replaces glycine, which is neutral and non-polar, with glutamic acid, which is acidic and polar, at codon 852 of the COL4A5 protein (p.Gly852Glu). This variant is not present in population databases (gnomAD no frequency). This missense change has been observed in individuals with clinical features of Alport syndrome (PMID: 10094548; internal data). ClinVar contains an entry for this variant (Variation ID: 2737346). Invitae Evidence Modeling of protein sequence and biophysical properties (such as structural, functional, and spatial information, amino acid conservation, physicochemical variation, residue mobility, and thermodynamic stability) indicates that this missense variant is expected to disrupt COL4A5 protein function with a positive predictive value of 95%. This variant disrupts the p.Gly852 amino acid residue in COL4A5. Other variant(s) that disrupt this residue have been determined to be pathogenic (PMID: 8893151, 14993485). This suggests that this residue is clinically significant, and that variants that disrupt this residue are likely to be disease-causing. For these reasons, this variant has been classified as Pathogenic.

Literature cited by the submitters: PubMed 10094548; PubMed 8893151; PubMed 14993485.

NM_033380.3(COL4A5):c.2555G>A (p.Gly852Glu)

Gene: COL4A5 (collagen type IV alpha 5 chain; plus strand). Cytogenetic location: Xq22.3.
Variant type: single nucleotide variant.
Coding change: c.2555G>A on transcript NM_033380.3 (MANE Select); coding-DNA position 2555, G replaced by A.
Protein change: p.Gly852Glu; replaces glycine 852 with glutamic acid.
Molecular consequence: missense variant.
Genome position (GRCh38, 1-based): chrX:108,620,304, G>A. VCF-style: chrX-108620304-G-A. GRCh37 (hg19) VCF-style: chrX-107863534-G-A.
Other names: c.2555G>A, p.Gly852Glu (NM_000495.5); short protein forms G852E.
Identifiers: ClinVar variation 2737346 (VCV002737346.3), dbSNP rs104886187, ClinGen allele CA258709.